The following is an entry in ClinVar:

ClinVar aggregate classification (germline): Uncertain significance (1 of 4 stars; one submission).

Submission:

Labcorp Genetics (formerly Invitae), Labcorp
Classification: Uncertain significance. Last evaluated: 2022-05-12. Review status: criteria provided, single submitter. Criteria: Invitae Variant Classification Sherloc (09022015). Collection method: clinical testing. Allele origin: germline.
Comment: Algorithms developed to predict the effect of missense changes on protein structure and function are either unavailable or do not agree on the potential impact of this missense change (SIFT: "Tolerated"; PolyPhen-2: "Probably Damaging"; Align-GVGD: "Class C0"). This variant has not been reported in the literature in individuals affected with SEMA4A-related conditions. This variant is not present in population databases (gnomAD no frequency). This sequence change replaces threonine, which is neutral and polar, with isoleucine, which is neutral and non-polar, at codon 220 of the SEMA4A protein (p.Thr220Ile). In summary, the available evidence is currently insufficient to determine the role of this variant in disease. Therefore, it has been classified as a Variant of Uncertain Significance.

NM_022367.4(SEMA4A):c.659C>T (p.Thr220Ile)

Gene: SEMA4A (semaphorin 4A; plus strand). Cytogenetic location: 1q22.
Variant type: single nucleotide variant.
Coding change: c.659C>T on transcript NM_022367.4 (MANE Select); coding-DNA position 659, C replaced by T.
Protein change: p.Thr220Ile; replaces threonine 220 with isoleucine.
Molecular consequence: missense variant.
Genome position (GRCh38, 1-based): chr1:156,160,533, C>T. VCF-style: chr1-156160533-C-T. GRCh37 (hg19) VCF-style: chr1-156130324-C-T.
Other names: c.659C>T, p.Thr220Ile (NM_001193300.2, NM_001193301.2, NM_001370567.1); c.263C>T, p.Thr88Ile (NM_001193302.2); c.362C>T, p.Thr121Ile (NM_001370568.1); c.152C>T, p.Thr51Ile (NM_001370569.1, NM_001370571.1); short protein forms T220I, T51I, T121I, T88I.
Identifiers: ClinVar variation 1993195 (VCV001993195.4), dbSNP rs2528159894, ClinGen allele CA342837979.
Genomic context (GRCh38, chr1:156,160,533, plus strand): 5'-ACTTCCTGGGCAGTGAGCCCATCCTGATGCGCACACTGGGATCCCAGCCTGTCCTCAAGA[C>T]CGACAACTTCCTCCGCTGGCTGCATCGTAAGGACCTGACCCCCGCTGGCCTCCTTTCCTG-3'
Protein context (NP_071762.2, residues 210-230): RTLGSQPVLK[Thr220Ile]DNFLRWLHHD